The following is an entry in ClinVar:

ClinVar aggregate classification (germline): Uncertain significance. Review status: criteria provided, multiple submitters, no conflicts (2 of 4 stars). 2 submissions from 2 submitters: Uncertain significance (2). Last evaluated 2025-09-12.

Conditions:
Hereditary cancer-predisposing syndrome. Also called: Tumor predisposition; Hereditary Cancer Syndrome; Hereditary neoplastic syndrome; Neoplastic Syndromes, Hereditary. Identifiers: Orphanet 140162, MedGen C0027672, MeSH D009386, MONDO:0015356.

Allele frequency attached by ClinVar (database versions not stated): gnomAD exomes below 0.00001.
gnomAD v4.1: 2 of 1,614,180 alleles (0.00012%); highest among the groups gnomAD compares: Non-Finnish European, 0.00017%; no homozygotes.

Submissions (2):

Ambry Genetics
Classification: Uncertain significance for Hereditary cancer-predisposing syndrome. Last evaluated: 2025-09-12. Review status: criteria provided, single submitter. Criteria: Ambry Variant Classification Scheme 2023. Collection method: clinical testing. Allele origin: germline.
Comment: The p.L232P variant (also known as c.695T>C), located in coding exon 4 of the MSH3 gene, results from a T to C substitution at nucleotide position 695. The leucine at codon 232 is replaced by proline, an amino acid with similar properties. This amino acid position is conserved. In addition, this alteration is predicted to be deleterious by in silico analysis. Based on the available evidence, the clinical significance of this variant remains unclear.

Labcorp Genetics (formerly Invitae), Labcorp
Classification: Uncertain significance. Last evaluated: 2024-05-20. Review status: criteria provided, single submitter. Criteria: Invitae Variant Classification Sherloc (09022015). Collection method: clinical testing. Allele origin: germline.
Comment: This sequence change replaces leucine, which is neutral and non-polar, with proline, which is neutral and non-polar, at codon 232 of the MSH3 protein (p.Leu232Pro). This variant is not present in population databases (gnomAD no frequency). This variant has not been reported in the literature in individuals affected with MSH3-related conditions. ClinVar contains an entry for this variant (Variation ID: 1478269). An algorithm developed to predict the effect of missense changes on protein structure and function (PolyPhen-2) suggests that this variant is likely to be disruptive. In summary, the available evidence is currently insufficient to determine the role of this variant in disease. Therefore, it has been classified as a Variant of Uncertain Significance.

NM_002439.5(MSH3):c.695T>C (p.Leu232Pro)

Gene: MSH3 (mutS homolog 3; plus strand). Cytogenetic location: 5q14.1.
Variant type: single nucleotide variant.
Coding change: c.695T>C on transcript NM_002439.5 (MANE Select); coding-DNA position 695, T replaced by C.
Protein change: p.Leu232Pro; replaces leucine 232 with proline.
Molecular consequence: missense variant.
Genome position (GRCh38, 1-based): chr5:80,670,212, T>C. VCF-style: chr5-80670212-T-C. GRCh37 (hg19) VCF-style: chr5-79966031-T-C.
Other names: c.695T>C (NM_002439.3); short protein forms L232P.
Identifiers: ClinVar variation 1478269 (VCV001478269.7), dbSNP rs2112812283, ClinGen allele CA360266790.